The following is an entry in ClinVar:

NM_018896.5(CACNA1G):c.4309A>T (p.Lys1437Ter)

Gene: CACNA1G (calcium voltage-gated channel subunit alpha1 G; plus strand). Cytogenetic location: 17q21.33.
Variant type: single nucleotide variant.
Coding change: c.4309A>T on transcript NM_018896.5 (MANE Select); coding-DNA position 4309, A replaced by T.
Protein change: p.Lys1437Ter; replaces lysine 1437 with a stop codon.
Molecular consequence: nonsense. On other transcripts: non-coding transcript variant (5).
Genome position (GRCh38, 1-based): chr17:50,605,910, A>T. VCF-style: chr17-50605910-A-T. GRCh37 (hg19) VCF-style: chr17-48683271-A-T.
Other names: c.4309A>T, p.Lys1437Ter (NM_001256324.2, NM_001256325.2, NM_001256326.2 and 16 more transcripts); c.4240A>T, p.Lys1414Ter (NM_001256332.2, NM_198376.3, NM_198379.3 and 5 more transcripts); short protein forms K1414*, K1437*.
Identifiers: ClinVar variation 2507058 (VCV002507058.1), dbSNP rs2545535544, ClinGen allele CA400256587.

ClinVar aggregate classification (germline): Uncertain significance (1 of 4 stars; one submission).

Submission:

GeneDx
Classification: Uncertain significance. Last evaluated: 2022-12-28. Review status: criteria provided, single submitter. Criteria: GeneDx Variant Classification Process June 2021. Collection method: clinical testing. Allele origin: germline. Affected: yes.
Comment: Not observed at significant frequency in large population cohorts (gnomAD); Nonsense variant predicted to result in protein truncation or nonsense mediated decay in a gene or region of a gene for which loss of function is not a well-established mechanism of disease; Has not been previously published as pathogenic or benign to our knowledge